The following is an entry in ClinVar:

NM_000718.4(CACNA1B):c.824G>A (p.Arg275Gln)

Gene: CACNA1B (calcium voltage-gated channel subunit alpha1 B; plus strand). Cytogenetic location: 9q34.3.
Variant type: single nucleotide variant.
Coding change: c.824G>A on transcript NM_000718.4 (MANE Select); coding-DNA position 824, G replaced by A.
Protein change: p.Arg275Gln; replaces arginine 275 with glutamine.
Molecular consequence: missense variant.
Genome position (GRCh38, 1-based): chr9:137,917,289, G>A. VCF-style: chr9-137917289-G-A. GRCh37 (hg19) VCF-style: chr9-140811741-G-A.
Other names: c.824G>A, p.Arg275Gln (NM_001243812.2); c.824G>A (NM_000718.3); short protein forms R275Q.
Identifiers: ClinVar variation 2147687 (VCV002147687.2), dbSNP rs989224706, ClinGen allele CA201840976.

ClinVar aggregate classification (germline): Uncertain significance. Review status: criteria provided, multiple submitters, no conflicts (2 of 4 stars). 2 submissions from 2 submitters: Uncertain significance (2). Last evaluated 2025-09-26.

Allele frequency attached by ClinVar (database versions not stated): gnomAD 0.00004; TOPMed 0.00009; gnomAD exomes 0.00001.
gnomAD v4.1: 25 of 1,613,772 alleles (0.0015%); highest among the groups gnomAD compares: Admixed American, 0.01%; no homozygotes.

Submissions (2):

Ambry Genetics
Classification: Uncertain significance. Last evaluated: 2025-09-26. Review status: criteria provided, single submitter. Criteria: Ambry Variant Classification Scheme 2023. Collection method: clinical testing. Allele origin: germline.
Comment: The c.824G>A (p.R275Q) alteration is located in exon 6 (coding exon 6) of the CACNA1B gene. This alteration results from a G to A substitution at nucleotide position 824, causing the arginine (R) at amino acid position 275 to be replaced by a glutamine (Q). Based on data from gnomAD, the A allele has an overall frequency of 0.002% (5/280158) total alleles studied. The highest observed frequency was 0.006% (2/35330) of Latino alleles. Based on insufficient or conflicting evidence, the clinical significance of this alteration remains unclear.

Labcorp Genetics (formerly Invitae), Labcorp
Classification: Uncertain significance. Last evaluated: 2022-01-07. Review status: criteria provided, single submitter. Criteria: Invitae Variant Classification Sherloc (09022015). Collection method: clinical testing. Allele origin: germline.
Comment: This sequence change replaces arginine, which is basic and polar, with glutamine, which is neutral and polar, at codon 275 of the CACNA1B protein (p.Arg275Gln). This variant is present in population databases (no rsID available, gnomAD 0.004%). This variant has not been reported in the literature in individuals affected with CACNA1B-related conditions. Algorithms developed to predict the effect of missense changes on protein structure and function (SIFT, PolyPhen-2, Align-GVGD) all suggest that this variant is likely to be tolerated. In summary, the available evidence is currently insufficient to determine the role of this variant in disease. Therefore, it has been classified as a Variant of Uncertain Significance.